The following is an entry in ClinVar:

ClinVar aggregate classification (germline): Pathogenic (1 of 4 stars; one submission).

Submission:

ISCA Site 6
Classification: Pathogenic. Last evaluated: 2011-08-12. Review status: criteria provided, single submitter. Criteria: Kaminsky et al. (Genet Med. 2011). Collection method: clinical testing. Allele origin: unknown. Affected: yes. Observed: 1 variant allele.
Comment: Copy number variation identified through the course of routine clinical cytogenomic testing in postnatal populations. Clinical assertions have been curated as described in Kaminsky et al. 2011.

GRCh38/hg38 1q31.1-42.11(chr1:187143981-224299417)x3

Genes: LINC02474 (long independently transcribed non-coding RNA 2474; plus strand), LINC02602 (long independently transcribed non-coding RNA 2602; minus strand), LINC02608 (long independently transcribed non-coding RNA 2608; minus strand), LINC02767 (long independently transcribed non-coding RNA 2767; plus strand), LINC02769 (long independently transcribed non-coding RNA 2769; minus strand) and 1148 more. Cytogenetic location: 1q31.1-42.11.
Variant type: copy number gain.
Change: copy number 3 (three copies instead of two) of chr1:187,143,981-224,299,417 (37.16 Mb, GRCh38 coordinates, 1-based), cytogenetic band 1q31.1-42.11.
Identifiers: ClinVar variation 58112 (VCV000058112.2).